The following is an entry in ClinVar:

ClinVar aggregate classification (germline): Uncertain significance (1 of 4 stars; one submission).

Submission:

GeneDx
Classification: Uncertain significance. Last evaluated: 2022-01-13. Review status: criteria provided, single submitter. Criteria: GeneDx Variant Classification Process June 2021. Collection method: clinical testing. Allele origin: germline. Affected: yes.
Comment: Not observed at significant frequency in large population cohorts (gnomAD); In silico analysis supports that this missense variant has a deleterious effect on protein structure/function; Has not been previously published as pathogenic or benign to our knowledge

NM_001378414.1(HDAC4):c.2893C>G (p.Leu965Val)

Gene: HDAC4 (histone deacetylase 4; minus strand). Cytogenetic location: 2q37.3.
Variant type: single nucleotide variant.
Coding change: c.2893C>G on transcript NM_001378414.1 (MANE Select); coding-DNA position 2893, C replaced by G.
Protein change: p.Leu965Val; replaces leucine 965 with valine.
Molecular consequence: missense variant.
Genome position (GRCh38, 1-based): chr2:239,066,832, G>C on the plus strand (C>G on the coding strand, the complement: HDAC4 is on the minus strand). VCF-style: chr2-239066832-G-C. GRCh37 (hg19) VCF-style: chr2-239988528-G-C.
Other names: c.2893C>G, p.Leu965Val (NM_001378415.1); c.2878C>G, p.Leu960Val (NM_001378416.1, NM_001378417.1, NM_006037.4); short protein forms L960V, L965V.
Identifiers: ClinVar variation 1697045 (VCV001697045.2), dbSNP rs1470935359, ClinGen allele CA351256139.